The following is an entry in ClinVar:

ClinVar aggregate classification (germline): Uncertain significance. Review status: criteria provided, multiple submitters, no conflicts (2 of 4 stars). 2 submissions from 2 submitters: Uncertain significance (2). Last evaluated 2025-06-08.

Conditions:
Cardiovascular phenotype. Identifiers: MedGen CN230736.
Long QT syndrome (LQTS). Identifiers: MedGen C0023976, MeSH D008133, MONDO:0002442. Disease mechanism: loss of function. Inheritance: Various modes of inheritance.

Allele frequency attached by ClinVar (database versions not stated): gnomAD exomes below 0.00001; ExAC 0.00001; TOPMed 0.00002; ESP Exome Variant Server 0.00008.
gnomAD v4.1: 2 of 1,614,188 alleles (0.00012%); highest among the groups gnomAD compares: South Asian, 0.0011%; no homozygotes.

Submissions (2):

Labcorp Genetics (formerly Invitae), Labcorp
Classification: Uncertain significance for Long QT syndrome. Last evaluated: 2025-06-08. Review status: criteria provided, single submitter. Criteria: Invitae Variant Classification Sherloc (09022015). Collection method: clinical testing. Allele origin: germline.
Comment: This sequence change replaces valine, which is neutral and non-polar, with methionine, which is neutral and non-polar, at codon 325 of the KCNH2 protein (p.Val325Met). This variant is present in population databases (rs149381387, gnomAD 0.003%). This variant has not been reported in the literature in individuals affected with KCNH2-related conditions. ClinVar contains an entry for this variant (Variation ID: 526931). An algorithm developed to predict the effect of missense changes on protein structure and function (PolyPhen-2) suggests that this variant is likely to be tolerated. In summary, the available evidence is currently insufficient to determine the role of this variant in disease. Therefore, it has been classified as a Variant of Uncertain Significance.

Ambry Genetics
Classification: Uncertain significance for Cardiovascular phenotype. Last evaluated: 2023-09-21. Review status: criteria provided, single submitter. Criteria: Ambry Variant Classification Scheme 2023. Collection method: clinical testing. Allele origin: germline.
Comment: The p.V325M variant (also known as c.973G>A), located in coding exon 5 of the KCNH2 gene, results from a G to A substitution at nucleotide position 973. The valine at codon 325 is replaced by methionine, an amino acid with highly similar properties. This amino acid position is not well conserved in available vertebrate species. In addition, the in silico prediction for this alteration is inconclusive. Since supporting evidence is limited at this time, the clinical significance of this alteration remains unclear.

NM_000238.4(KCNH2):c.973G>A (p.Val325Met)

Gene: KCNH2 (potassium voltage-gated channel subfamily H member 2; minus strand). Cytogenetic location: 7q36.1.
Variant type: single nucleotide variant.
Coding change: c.973G>A on transcript NM_000238.4 (MANE Select); coding-DNA position 973, G replaced by A.
Protein change: p.Val325Met; replaces valine 325 with methionine.
Molecular consequence: missense variant.
Genome position (GRCh38, 1-based): chr7:150,957,446, C>T on the plus strand (G>A on the coding strand, the complement: KCNH2 is on the minus strand). VCF-style: chr7-150957446-C-T. GRCh37 (hg19) VCF-style: chr7-150654534-C-T.
Other names: c.685G>A, p.Val229Met (NM_001406753.1, NM_001406756.1); c.796G>A, p.Val266Met (NM_001406755.1); c.673G>A, p.Val225Met (NM_001406757.1); c.973G>A, p.Val325Met (NM_172056.3); short protein forms V325M, V225M, V266M, V229M.
Identifiers: ClinVar variation 526931 (VCV000526931.10), dbSNP rs149381387, ClinGen allele CA041305.